The following is an entry in ClinVar:

NM_004036.5(ADCY3):c.2158A>G (p.Asn720Asp)

Gene: ADCY3 (adenylate cyclase 3; minus strand). Cytogenetic location: 2p23.3.
Variant type: single nucleotide variant.
Coding change: c.2158A>G on transcript NM_004036.5 (MANE Select); coding-DNA position 2158, A replaced by G.
Protein change: p.Asn720Asp; replaces asparagine 720 with aspartic acid.
Molecular consequence: missense variant.
Genome position (GRCh38, 1-based): chr2:24,830,723, T>C on the plus strand (A>G on the coding strand, the complement: ADCY3 is on the minus strand). VCF-style: chr2-24830723-T-C. GRCh37 (hg19) VCF-style: chr2-25053592-T-C.
Other names: c.2158A>G, p.Asn720Asp (NM_001320613.2, NM_001377129.1, NM_001377130.1 and 1 more transcripts); c.2224A>G, p.Asn742Asp (NM_001377128.1); c.1435A>G, p.Asn479Asp (NM_001377131.1); short protein forms N742D, N720D, N479D.
Identifiers: ClinVar variation 4983651 (VCV004983651.1).

ClinVar aggregate classification (germline): Uncertain significance (1 of 4 stars; one submission).

Conditions:
ADCY3-related disorder. Also called: ADCY3-related condition.

Submission:

PreventionGenetics, part of Exact Sciences
Classification: Uncertain significance for ADCY3-related condition. Last evaluated: 2025-01-13. Review status: criteria provided, single submitter. Criteria: ACMG Guidelines, 2015. Collection method: clinical testing. Allele origin: germline.
Comment: The ADCY3 c.2158A>G variant is predicted to result in the amino acid substitution p.Asn720Asp. To our knowledge, this variant has not been reported in the literature or in a large population database (gnomAD), indicating this variant is rare. At this time, the clinical significance of this variant is uncertain due to the absence of conclusive functional and genetic evidence.